The following is an entry in ClinVar:

NM_005591.4(MRE11):c.1034A>G (p.Glu345Gly)

Gene: MRE11 (MRE11 double strand break repair nuclease; minus strand). Cytogenetic location: 11q21.
Variant type: single nucleotide variant.
Coding change: c.1034A>G on transcript NM_005591.4 (MANE Select); coding-DNA position 1034, A replaced by G.
Protein change: p.Glu345Gly; replaces glutamic acid 345 with glycine.
Molecular consequence: missense variant.
Genome position (GRCh38, 1-based): chr11:94,467,877, T>C on the plus strand (A>G on the coding strand, the complement: MRE11 is on the minus strand). VCF-style: chr11-94467877-T-C. GRCh37 (hg19) VCF-style: chr11-94201043-T-C.
Other names: c.1034A>G, p.Glu345Gly (NM_001330347.2, NM_005590.4); short protein forms E345G.
Identifiers: ClinVar variation 818285 (VCV000818285.15), dbSNP rs1224864635, ClinGen allele CA382373875.
Genomic context (GRCh38, chr11:94,467,877, plus strand): 5'-AGTCGTACAAGAGGCTTCTCTGGCTGGTGAGAATTACCCAGACGTTCCCGTTCAGCATTT[T>C]CAAGCATTTCTTCAATCTCAAAATTTTTAAAAAGATTAAAAAACAACGTAGTAAACTGAG-3'
Protein context (NP_005582.1, residues 335-355): FCLEKIEEML[Glu345Gly]NAERERLGNS

ClinVar aggregate classification (germline): Uncertain significance. Review status: criteria provided, multiple submitters, no conflicts (2 of 4 stars). 2 submissions from 2 submitters: Uncertain significance (2). Last evaluated 2025-11-25.

Conditions:
Ataxia-telangiectasia-like disorder (ATLD). Identifiers: MedGen C1858391, MONDO:0011457.
Hereditary cancer-predisposing syndrome. Also called: Tumor predisposition; Hereditary neoplastic syndrome; Neoplastic Syndromes, Hereditary; Hereditary Cancer Syndrome. Identifiers: Orphanet 140162, MedGen C0027672, MeSH D009386, MONDO:0015356.

gnomAD v4.1: 4 of 1,613,670 alleles (0.00025%); highest among the groups gnomAD compares: Non-Finnish European, 0.00034%; no homozygotes.

Submissions (2):

Ambry Genetics
Classification: Uncertain significance for Hereditary cancer-predisposing syndrome. Last evaluated: 2025-11-25. Review status: criteria provided, single submitter. Criteria: Ambry Variant Classification Scheme 2023. Collection method: clinical testing. Allele origin: germline.
Comment: The p.E345G variant (also known as c.1034A>G), located in coding exon 9 of the MRE11A gene, results from an A to G substitution at nucleotide position 1034. The glutamic acid at codon 345 is replaced by glycine, an amino acid with similar properties. This amino acid position is not well conserved in available vertebrate species. In addition, the in silico prediction for this alteration is inconclusive. Since supporting evidence is limited at this time, the clinical significance of this alteration remains unclear.

Labcorp Genetics (formerly Invitae), Labcorp
Classification: Uncertain significance for Ataxia-telangiectasia-like disorder. Last evaluated: 2023-07-26. Review status: criteria provided, single submitter. Criteria: Invitae Variant Classification Sherloc (09022015). Collection method: clinical testing. Allele origin: germline.
Comment: This sequence change replaces glutamic acid, which is acidic and polar, with glycine, which is neutral and non-polar, at codon 345 of the MRE11 protein (p.Glu345Gly). This variant is not present in population databases (gnomAD no frequency). In summary, the available evidence is currently insufficient to determine the role of this variant in disease. Therefore, it has been classified as a Variant of Uncertain Significance. This variant has not been reported in the literature in individuals affected with MRE11-related conditions. ClinVar contains an entry for this variant (Variation ID: 818285). An algorithm developed to predict the effect of missense changes on protein structure and function (PolyPhen-2) suggests that this variant is likely to be tolerated.